The following is an entry in ClinVar:

NM_001365999.1(SZT2):c.4091G>A (p.Ser1364Asn)

Gene: SZT2 (SZT2 subunit of KICSTOR complex; plus strand). Cytogenetic location: 1p34.2.
Variant type: single nucleotide variant.
Coding change: c.4091G>A on transcript NM_001365999.1 (MANE Select); coding-DNA position 4091, G replaced by A.
Protein change: p.Ser1364Asn; replaces serine 1364 with asparagine.
Molecular consequence: missense variant.
Genome position (GRCh38, 1-based): chr1:43,428,411, G>A. VCF-style: chr1-43428411-G-A. GRCh37 (hg19) VCF-style: chr1-43894082-G-A.
Other names: c.3920G>A, p.Ser1307Asn (NM_015284.4); short protein forms S1307N, S1364N.
Identifiers: ClinVar variation 1918496 (VCV001918496.5), dbSNP rs762066663, ClinGen allele CA809180.

ClinVar aggregate classification (germline): Uncertain significance (1 of 4 stars; one submission).

Allele frequency attached by ClinVar (database versions not stated): ExAC 0.00001.

Submission:

Labcorp Genetics (formerly Invitae), Labcorp
Classification: Uncertain significance. Last evaluated: 2021-12-21. Review status: criteria provided, single submitter. Criteria: Invitae Variant Classification Sherloc (09022015). Collection method: clinical testing. Allele origin: germline.
Comment: This sequence change replaces serine, which is neutral and polar, with asparagine, which is neutral and polar, at codon 1307 of the SZT2 protein (p.Ser1307Asn). This variant is present in population databases (rs762066663, gnomAD 0.006%). This variant has not been reported in the literature in individuals affected with SZT2-related conditions. Algorithms developed to predict the effect of missense changes on protein structure and function are either unavailable or do not agree on the potential impact of this missense change (SIFT: "Tolerated"; PolyPhen-2: "Probably Damaging"; Align-GVGD: "Class C0"). In summary, the available evidence is currently insufficient to determine the role of this variant in disease. Therefore, it has been classified as a Variant of Uncertain Significance.